The following is an entry in ClinVar:

NM_182916.3(TRNT1):c.88A>G (p.Met30Val)

Gene: TRNT1 (tRNA nucleotidyl transferase 1; plus strand). Cytogenetic location: 3p26.2.
Variant type: single nucleotide variant.
Coding change: c.88A>G on transcript NM_182916.3 (MANE Select); coding-DNA position 88, A replaced by G.
Protein change: p.Met30Val; replaces methionine 30 with valine.
Molecular consequence: missense variant. On other transcripts: non-coding transcript variant (11).
Genome position (GRCh38, 1-based): chr3:3,129,128, A>G. VCF-style: chr3-3129128-A-G. GRCh37 (hg19) VCF-style: chr3-3170812-A-G.
Other names: c.88A>G, p.Met30Val (NM_001302946.2, NM_001367321.1, NM_001367322.1 and 1 more transcripts); short protein forms M30V.
Identifiers: ClinVar variation 851985 (VCV000851985.5), dbSNP rs375274931, ClinGen allele CA2228509.

ClinVar aggregate classification (germline): Uncertain significance. Review status: criteria provided, multiple submitters, no conflicts (2 of 4 stars). 2 submissions from 2 submitters: Uncertain significance (2). Last evaluated 2021-08-13.

Conditions:
Congenital sideroblastic anemia-B-cell immunodeficiency-periodic fever-developmental delay syndrome. Also called: Sideroblastic anemia with B-cell immunodeficiency, periodic fevers, and developmental delay. Identifiers: Orphanet 369861, MedGen C4015172, MONDO:0014487, OMIM 616084.

Allele frequency attached by ClinVar (database versions not stated): gnomAD exomes 0.00001 and 0.00003; ExAC 0.00002; TOPMed 0.00002; gnomAD 0.00004; ESP Exome Variant Server 0.00008.
gnomAD v4.1: 48 of 1,613,926 alleles (0.003%); highest among the groups gnomAD compares: African/African-American, 0.008%; no homozygotes.

Submissions (2):

Labcorp Genetics (formerly Invitae), Labcorp
Classification: Uncertain significance for Congenital sideroblastic anemia-B-cell immunodeficiency-periodic fever-developmental delay syndrome. Last evaluated: 2021-08-13. Review status: criteria provided, single submitter. Criteria: Invitae Variant Classification Sherloc (09022015). Collection method: clinical testing. Allele origin: germline.
Comment: This sequence change replaces methionine with valine at codon 30 of the TRNT1 protein (p.Met30Val). The methionine residue is moderately conserved and there is a small physicochemical difference between methionine and valine. This variant is present in population databases (rs375274931, ExAC 0.01%). This missense change has been observed in individual(s) with clinical features of TRNT1-related conditions (Invitae). Algorithms developed to predict the effect of missense changes on protein structure and function (SIFT, PolyPhen-2, Align-GVGD) all suggest that this variant is likely to be tolerated. Algorithms developed to predict the effect of sequence changes on RNA splicing suggest that this variant may create or strengthen a splice site. In summary, the available evidence is currently insufficient to determine the role of this variant in disease. Therefore, it has been classified as a Variant of Uncertain Significance.

Blueprint Genetics
Classification: Uncertain significance. Last evaluated: 2021-07-28. Review status: criteria provided, single submitter. Criteria: ACMG Guidelines, 2015. Collection method: clinical testing. Allele origin: germline.